The following is an entry in ClinVar:

NM_001011.4(RPS7):c.545G>A (p.Gly182Asp)

Gene: RPS7 (ribosomal protein S7; plus strand). Cytogenetic location: 2p25.3.
Variant type: single nucleotide variant.
Coding change: c.545G>A on transcript NM_001011.4 (MANE Select); coding-DNA position 545, G replaced by A.
Protein change: p.Gly182Asp; replaces glycine 182 with aspartic acid.
Molecular consequence: missense variant.
Genome position (GRCh38, 1-based): chr2:3,580,842, G>A. VCF-style: chr2-3580842-G-A. GRCh37 (hg19) VCF-style: chr2-3628432-G-A.
Other names: short protein forms G182D.
Identifiers: ClinVar variation 2057828 (VCV002057828.4), dbSNP rs2528185871, ClinGen allele CA345743883.
Genomic context (GRCh38, chr2:3,580,842, plus strand): 5'-ATGAATTCTTTCTTTTCTTGTAGGTTGAAACTTTTTCTGGTGTCTATAAGAAGCTCACGG[G>A]CAAGGATGTTAATTTTGAATTCCCAGAGTTTCAATTGTAAACAAAAATGACTAAATAAAA-3'
Protein context (NP_001002.1, residues 172-192): TFSGVYKKLT[Gly182Asp]KDVNFEFPEF

ClinVar aggregate classification (germline): Uncertain significance (1 of 4 stars; one submission).

Conditions:
Diamond-Blackfan anemia 8 (DBA8). Also called: RPS7-Related Diamond-Blackfan Anemia. Identifiers: Orphanet 124, MedGen C2675511, MONDO:0012939, OMIM 612563.

Submission:

Labcorp Genetics (formerly Invitae), Labcorp
Classification: Uncertain significance for Diamond-Blackfan anemia 8. Last evaluated: 2021-12-24. Review status: criteria provided, single submitter. Criteria: Invitae Variant Classification Sherloc (09022015). Collection method: clinical testing. Allele origin: germline.
Comment: This sequence change replaces glycine, which is neutral and non-polar, with aspartic acid, which is acidic and polar, at codon 182 of the RPS7 protein (p.Gly182Asp). This variant is not present in population databases (gnomAD no frequency). This variant has not been reported in the literature in individuals affected with RPS7-related conditions. Algorithms developed to predict the effect of missense changes on protein structure and function are either unavailable or do not agree on the potential impact of this missense change (SIFT: "Tolerated"; PolyPhen-2: "Possibly Damaging"; Align-GVGD: "Class C0"). In summary, the available evidence is currently insufficient to determine the role of this variant in disease. Therefore, it has been classified as a Variant of Uncertain Significance.